The following is an entry in ClinVar:

NM_000516.7(GNAS):c.719-29_719-13delinsACCAAAGAGAGCAAAGCCAAG

Gene: GNAS (GNAS complex locus; plus strand). Cytogenetic location: 20q13.32.
Variant type: Indel.
Coding change: c.719-29_719-13delinsACCAAAGAGAGCAAAGCCAAG on transcript NM_000516.7 (MANE Select); 29 bases into the intron before coding-DNA position 719 through 13 bases into the intron before coding-DNA position 719, CGCTCTTGGCTTTGCTC replaced by ACCAAAGAGAGCAAAGCCAAG.
Molecular consequence: intron variant.
Genome position (GRCh38, 1-based): chr20:58,909,655-58,909,671, CGCTCTTGGCTTTGCTC replaced by ACCAAAGAGAGCAAAGCCAAG. GRCh37 (hg19): chr20:57,484,710-57,484,726.
Other names: c.542-29_542-13delinsACCAAAGAGAGCAAAGCCAAG (NM_001309861.2, NM_001309840.2); c.*580-29_*580-13delinsACCAAAGAGAGCAAAGCCAAG (NM_001077490.3); c.2648-29_2648-13delinsACCAAAGAGAGCAAAGCCAAG (NM_080425.4); c.722-29_722-13delinsACCAAAGAGAGCAAAGCCAAG (NM_001077488.5); c.677-29_677-13delinsACCAAAGAGAGCAAAGCCAAG (NM_080426.4); c.674-29_674-13delinsACCAAAGAGAGCAAAGCCAAG (NM_001077489.4); c.*625-29_*625-13delinsACCAAAGAGAGCAAAGCCAAG (NM_016592.5).
Identifiers: ClinVar variation 1692997 (VCV001692997.3), dbSNP rs2146283488, ClinGen allele CA2573157165.
Genomic context (GRCh38, chr20:58,909,655, plus strand): 5'-CTTGGCTGTTCGTAAAGAACGCTTTGCTTCTGTGTTGTTAGGGATCAGGGTCGCTGCTCA[CGCTCTTGGCTTTGCTC>ACCAAAGAGAGCAAAGCCAAG]TCTTTGGTTAAGATGTGACTGCCATCATCTTCGTGGTGGCCAGCAGCAGCTACAACATGG-3'

ClinVar aggregate classification (germline): Pathogenic (0 of 4 stars; one submission).

Conditions:
Pseudohypoparathyroidism type I A (PHP1A). Also called: ALBRIGHT HEREDITARY OSTEODYSTROPHY WITH MULTIPLE HORMONE RESISTANCE; Pseudohypoparathyroidism Type IA; PHP IA; Pseudohypoparathyroidism type 1A; Pseudohypoparathyroidism Ia (PHP-Ia). Identifiers: Orphanet 79443, MedGen C3494506, MONDO:0007078, OMIM 103580.

Submission:

Laboratory of Medical and Molecular Genetics, The National Medical Research Center for Endocrinology
Classification: Pathogenic for Pseudohypoparathyroidism type I A. Last evaluated: 2022-06-01. Review status: no assertion criteria provided. Collection method: clinical testing. Allele origin: maternal. Inheritance: Autosomal dominant inheritance with maternal imprinting. Affected: yes. Observed: 1 heterozygote.
Comment: Patient's cDNA sequencing showed splicing defect This variant has not been published yet

Literature cited by the submitters: NCBI Bookshelf 459117.